The following is an entry in ClinVar:

ClinVar aggregate classification (germline): Benign/Likely benign. Review status: criteria provided, multiple submitters, no conflicts (2 of 4 stars). 19 submissions from 19 submitters: Benign (8); Likely benign (7). 4 of the submissions do not count toward it. Last evaluated 2026-09-01.

Conditions:
Rhabdoid tumor predisposition syndrome 2 (RTPS2). Identifiers: Orphanet 231108, Orphanet 69077, MedGen C2750074, MONDO:0013224, OMIM 613325.
Intellectual disability, autosomal dominant 16 (CSS4). Also called: COFFIN-SIRIS SYNDROME 4. Identifiers: Orphanet 1465, MedGen C3553249, MONDO:0013821, OMIM 614609.
Otosclerosis 12. Identifiers: MedGen C5935610, MONDO:0968980, OMIM 620792.
Coffin-Siris syndrome. Identifiers: Orphanet 1465, MedGen C0265338, MONDO:0015452.
SMARCA4-related disorder. Also called: SMARCA4-related condition.
Hereditary cancer-predisposing syndrome. Also called: Neoplastic Syndromes, Hereditary; Tumor predisposition; Hereditary Cancer Syndrome; Hereditary neoplastic syndrome. Identifiers: Orphanet 140162, MedGen C0027672, MeSH D009386, MONDO:0015356.

Allele frequency attached by ClinVar (database versions not stated): 1000 Genomes Project 0.00020; ExAC 0.00142; ESP Exome Variant Server 0.00154; TOPMed 0.00158; 1000 Genomes Project 30x 0.00016; gnomAD exomes 0.00146 and 0.00204; gnomAD 0.00155 and 0.00163.
gnomAD v4.1: 3,198 of 1,612,958 alleles (0.2%); highest among the groups gnomAD compares: Non-Finnish European, 0.25%; 5 homozygotes.

Submissions (34):

CeGaT Center for Human Genetics Tuebingen
Classification: Likely benign. Last evaluated: 2026-09-01. Review status: criteria provided, single submitter. Criteria: CeGaT Center For Human Genetics Tuebingen Variant Classification Criteria Version 2. Collection method: clinical testing. Allele origin: germline. Affected: yes. Observed: 36 variant alleles.
Comment: SMARCA4: BP4, BP7, BS1

Myriad Genetics, Inc.
Classification: Benign for Rhabdoid tumor predisposition syndrome 2. Last evaluated: 2026-07-14. Review status: criteria provided, single submitter. Criteria: Myriad Autosomal Dominant, Autosomal Recessive and X-Linked Classification Criteria (2023). Collection method: clinical testing. Allele origin: unknown.
Comment: This variant is considered benign. This variant is a silent/synonymous amino acid change and it is not expected to impact splicing.

Labcorp Genetics (formerly Invitae), Labcorp
Classification: Benign for Rhabdoid tumor predisposition syndrome 2. Last evaluated: 2026-02-03. Review status: criteria provided, single submitter. Criteria: Invitae Variant Classification Sherloc (09022015). Collection method: clinical testing. Allele origin: germline.

Quest Diagnostics Nichols Institute San Juan Capistrano
Classification: Benign. Last evaluated: 2025-07-16. Review status: criteria provided, single submitter. Criteria: Quest Diagnostics criteria. Collection method: clinical testing. Allele origin: unknown.

ARUP Laboratories, Molecular Genetics and Genomics, ARUP Laboratories
Classification: Likely benign. Last evaluated: 2025-06-27. Review status: criteria provided, single submitter. Criteria: ARUP Molecular Germline Variant Investigation Process 2024. Collection method: clinical testing. Allele origin: germline.

Blueprint Genetics
Classification: Likely benign. Last evaluated: 2024-11-23. Review status: criteria provided, single submitter. Criteria: ACMG Guidelines, 2015. Collection method: clinical testing. Allele origin: germline.

Department of Pathology and Laboratory Medicine, Sinai Health System
Classification: Benign for Rhabdoid tumor predisposition syndrome 2; Intellectual disability, autosomal dominant 16; Otosclerosis 12. Last evaluated: 2023-05-19. Review status: criteria provided, single submitter. Criteria: ACMG Guidelines, 2015. Collection method: clinical testing. Allele origin: germline. Affected: yes.

Institute for Clinical Genetics, University Hospital TU Dresden, University Hospital TU Dresden
Classification: Likely benign. Last evaluated: 2021-11-03. Review status: criteria provided, single submitter. Criteria: ACMG Guidelines, 2015. Collection method: clinical testing. Allele origin: germline.

GeneDx
Classification: Likely benign. Last evaluated: 2021-09-29. Review status: criteria provided, single submitter. Criteria: GeneDx Variant Classification Process June 2021. Collection method: clinical testing. Allele origin: germline. Affected: yes.
Comment: This variant is associated with the following publications: (PMID: 26327206)

Genome-Nilou Lab
Classification: Benign for Intellectual disability, autosomal dominant 16. Last evaluated: 2021-07-15. Review status: criteria provided, single submitter. Criteria: ACMG Guidelines, 2015. Collection method: clinical testing. Allele origin: germline. Affected: no.

Sema4
Classification: Benign for Hereditary cancer-predisposing syndrome. Last evaluated: 2020-08-17. Review status: criteria provided, single submitter. Criteria: Sema4 Curation Guidelines. Collection method: curation. Allele origin: germline.

Illumina Laboratory Services, Illumina
Classification: Benign for Coffin-Siris syndrome. Last evaluated: 2018-01-13. Review status: criteria provided, single submitter. Criteria: ICSL Variant Classification Criteria 13 December 2019. Collection method: clinical testing. Allele origin: germline.
Comment: This variant was observed in the ICSL laboratory as part of a predisposition screen in an ostensibly healthy population. It had not been previously curated by ICSL or reported in the Human Gene Mutation Database (HGMD: prior to June 1st, 2018), and was therefore a candidate for classification through an automated scoring system. Utilizing variant allele frequency, disease prevalence and penetrance estimates, and inheritance mode, an automated score was calculated to assess if this variant is too frequent to cause the disease. Based on the score and internal cut-off values, a variant classified as benign is not then subjected to further curation. The score for this variant resulted in a classification of benign for this disease.

Ambry Genetics
Classification: Likely benign for Hereditary cancer-predisposing syndrome. Last evaluated: 2017-03-30. Review status: criteria provided, single submitter. Criteria: Ambry Variant Classification Scheme 2023. Collection method: clinical testing. Allele origin: germline.

Genetic Services Laboratory, University of Chicago
Classification: Benign. Last evaluated: 2016-04-25. Review status: criteria provided, single submitter. Criteria: ACMG Guidelines, 2015. Collection method: clinical testing. Allele origin: germline. Affected: no.

Breakthrough Genomics
Classification: Likely benign. Review status: criteria provided, single submitter. Criteria: ACMG Guidelines, 2015. Collection method: not provided. Allele origin: germline. Inheritance: Autosomal dominant inheritance. Affected: yes.

PreventionGenetics, part of Exact Sciences
Classification: Likely benign for SMARCA4-related condition. Last evaluated: 2019-03-11. Review status: no assertion criteria provided. Collection method: clinical testing. Allele origin: germline. Not counted in ClinVar's aggregate classification.
Comment: This variant is classified as likely benign based on ACMG/AMP sequence variant interpretation guidelines (Richards et al. 2015 PMID: 25741868, with internal and published modifications).

Clinical Genetics DNA and cytogenetics Diagnostics Lab, Erasmus MC, Erasmus Medical Center
Classification: Likely benign. Review status: no assertion criteria provided. Collection method: clinical testing. Allele origin: germline. Affected: yes. Study: VKGL Data-share Consensus. Not counted in ClinVar's aggregate classification.

Dr. Peter K. Rogan Lab, Western University
No classification provided (evidence only). Condition: Malignant tumor of urinary bladder. Review status: no classification provided. Collection method: in vitro. Allele origin: not applicable. Functional consequence: retained intron. Not counted in ClinVar's aggregate classification.

Dr. Peter K. Rogan Lab, Western University
No classification provided (evidence only). Condition: Malignant tumor of urinary bladder. Review status: no classification provided. Collection method: in vitro. Allele origin: not applicable. Functional consequence: retained intron. Not counted in ClinVar's aggregate classification.

Dr. Peter K. Rogan Lab, Western University
No classification provided (evidence only). Condition: Malignant tumor of urinary bladder. Review status: no classification provided. Collection method: in vitro. Allele origin: not applicable. Functional consequence: retained intron. Not counted in ClinVar's aggregate classification.

Dr. Peter K. Rogan Lab, Western University
No classification provided (evidence only). Condition: Clear cell carcinoma of kidney. Review status: no classification provided. Collection method: in vitro. Allele origin: not applicable. Functional consequence: retained intron. Not counted in ClinVar's aggregate classification.

Dr. Peter K. Rogan Lab, Western University
No classification provided (evidence only). Condition: Clear cell carcinoma of kidney. Review status: no classification provided. Collection method: in vitro. Allele origin: not applicable. Functional consequence: retained intron. Not counted in ClinVar's aggregate classification.

Dr. Peter K. Rogan Lab, Western University
No classification provided (evidence only). Condition: Lung cancer. Review status: no classification provided. Collection method: in vitro. Allele origin: not applicable. Functional consequence: retained intron. Not counted in ClinVar's aggregate classification.

Dr. Peter K. Rogan Lab, Western University
No classification provided (evidence only). Condition: Melanoma. Review status: no classification provided. Collection method: in vitro. Allele origin: not applicable. Functional consequence: retained intron. Not counted in ClinVar's aggregate classification.

Dr. Peter K. Rogan Lab, Western University
No classification provided (evidence only). Condition: Melanoma. Review status: no classification provided. Collection method: in vitro. Allele origin: not applicable. Functional consequence: retained intron. Not counted in ClinVar's aggregate classification.

Dr. Peter K. Rogan Lab, Western University
No classification provided (evidence only). Condition: Melanoma. Review status: no classification provided. Collection method: in vitro. Allele origin: not applicable. Functional consequence: retained intron. Not counted in ClinVar's aggregate classification.

Dr. Peter K. Rogan Lab, Western University
No classification provided (evidence only). Condition: Acute myeloid leukemia. Review status: no classification provided. Collection method: in vitro. Allele origin: not applicable. Functional consequence: retained intron. Not counted in ClinVar's aggregate classification.

Dr. Peter K. Rogan Lab, Western University
No classification provided (evidence only). Condition: Thyroid cancer, nonmedullary, 1. Review status: no classification provided. Collection method: in vitro. Allele origin: not applicable. Functional consequence: retained intron. Not counted in ClinVar's aggregate classification.

Dr. Peter K. Rogan Lab, Western University
No classification provided (evidence only). Condition: Thyroid cancer, nonmedullary, 1. Review status: no classification provided. Collection method: in vitro. Allele origin: not applicable. Functional consequence: retained intron. Not counted in ClinVar's aggregate classification.

Dr. Peter K. Rogan Lab, Western University
No classification provided (evidence only). Condition: Uterine corpus endometrial carcinoma. Review status: no classification provided. Collection method: in vitro. Allele origin: not applicable. Functional consequence: retained intron. Not counted in ClinVar's aggregate classification.

Dr. Peter K. Rogan Lab, Western University
No classification provided (evidence only). Condition: Uterine corpus endometrial carcinoma. Review status: no classification provided. Collection method: in vitro. Allele origin: not applicable. Functional consequence: retained intron. Not counted in ClinVar's aggregate classification.

Dr. Peter K. Rogan Lab, Western University
No classification provided (evidence only). Condition: Gastric cancer. Review status: no classification provided. Collection method: in vitro. Allele origin: not applicable. Functional consequence: retained intron. Not counted in ClinVar's aggregate classification.

Genome Diagnostics Laboratory, Amsterdam University Medical Center
Classification: Likely benign. Review status: no assertion criteria provided. Collection method: clinical testing. Allele origin: germline. Affected: yes. Study: VKGL Data-share Consensus. Not counted in ClinVar's aggregate classification.

Joint Genome Diagnostic Labs from Nijmegen and Maastricht, Radboudumc and MUMC+
Classification: Likely benign. Review status: no assertion criteria provided. Collection method: clinical testing. Allele origin: germline. Affected: yes. Study: VKGL Data-share Consensus. Not counted in ClinVar's aggregate classification.

NM_003072.5(SMARCA4):c.3045C>T (p.Gly1015=)

Gene: SMARCA4 (SWI/SNF related BAF chromatin remodeling complex subunit ATPase 4; plus strand). Cytogenetic location: 19p13.2.
Variant type: single nucleotide variant.
Coding change: c.3045C>T on transcript NM_003072.5 (MANE Select); coding-DNA position 3045, C replaced by T.
Protein change: p.Gly1015=; no amino-acid change (glycine 1015 retained).
Molecular consequence: synonymous variant. On other transcripts: non-coding transcript variant (1).
Genome position (GRCh38, 1-based): chr19:11,024,402, C>T. VCF-style: chr19-11024402-C-T. GRCh37 (hg19) VCF-style: chr19-11135078-C-T.
Other names: c.3045C>T, p.Gly1015= (NM_001128844.3, NM_001128845.2, NM_001128846.2 and 5 more transcripts); c.3045C>T (NM_001128849.2).
Identifiers: ClinVar variation 212248 (VCV000212248.78), dbSNP rs56101423, ClinGen allele CA206524.
Genomic context (GRCh38, chr19:11,024,402, plus strand): 5'-CATCAAGTGCGACATGTCTGCGCTGCAGCGAGTGCTCTACCGCCACATGCAGGCCAAGGG[C>T]GTGCTGCTGACTGATGGCTCCGAGAAGGACAAGAAGGTGGGCCCCAGAGTCCCCCAACTG-3'
Protein context (NP_003063.2, residues 1005-1025): RVLYRHMQAK[Gly1015=]VLLTDGSEKD